The following is an entry in ClinVar:

NM_020134.4(DPYSL5):c.169C>T (p.Leu57=)

Gene: DPYSL5 (dihydropyrimidinase like 5; plus strand). Cytogenetic location: 2p23.3.
Variant type: single nucleotide variant.
Coding change: c.169C>T on transcript NM_020134.4 (MANE Select); coding-DNA position 169, C replaced by T.
Protein change: p.Leu57=; no amino-acid change (leucine 57 retained).
Molecular consequence: synonymous variant.
Genome position (GRCh38, 1-based): chr2:26,898,668, C>T. VCF-style: chr2-26898668-C-T. GRCh37 (hg19) VCF-style: chr2-27121536-C-T.
Other names: c.169C>T, p.Leu57= (NM_001253723.2, NM_001253724.2).
Identifiers: ClinVar variation 1690569 (VCV001690569.2), dbSNP rs2148137082, ClinGen allele CA425605063.
Genomic context (GRCh38, chr2:26,898,668, plus strand): 5'-CAGGTGGGCCGCGAGCTCATGATCCCTGGCGGGGCCAAGGTGATTGATGCCACAGGAAAA[C>T]TGGTGATCCCTGGTGGCATCGACACCAGCACCCACTTCCACCAGACCTTCATGAATGCCA-3'
Protein context (NP_064519.2, residues 47-67): GAKVIDATGK[Leu57=]VIPGGIDTST

ClinVar aggregate classification (germline): Uncertain significance (1 of 4 stars; one submission).

gnomAD v4.1: 1 of 1,614,236 alleles (0.000062%); highest among the groups gnomAD compares: Non-Finnish European, 0.000085%; no homozygotes.

Submission:

Laboratorio de Genetica e Diagnostico Molecular, Hospital Israelita Albert Einstein
Classification: Uncertain significance. Last evaluated: 2022-03-09. Review status: criteria provided, single submitter. Criteria: ACMG Guidelines, 2015. Collection method: clinical testing. Allele origin: germline. Affected: yes.
Comment: ACMG classification criteria: PM2